The following is an entry in ClinVar:

NM_018082.6(POLR3B):c.1101+1G>C

Gene: POLR3B (RNA polymerase III subunit B; plus strand). Cytogenetic location: 12q23.3.
Variant type: single nucleotide variant.
Coding change: c.1101+1G>C on transcript NM_018082.6 (MANE Select); the canonical splice donor site of the intron after coding-DNA position 1101, G replaced by C.
Molecular consequence: splice donor variant.
Genome position (GRCh38, 1-based): chr12:106,410,961, G>C. VCF-style: chr12-106410961-G-C. GRCh37 (hg19) VCF-style: chr12-106804739-G-C.
Other names: c.927+1G>C (NM_001160708.2).
Identifiers: ClinVar variation 1184094 (VCV001184094.5), dbSNP rs773891661, ClinGen allele CA386387614.

ClinVar aggregate classification (germline): Likely pathogenic. Review status: criteria provided, single submitter (1 of 4 stars). 2 submissions from 2 submitters: Likely pathogenic (1). 1 of the submissions does not count toward it. Last evaluated 2021-04-05.

Conditions:
Leukodystrophy, hypomyelinating, 8, with or without oligodontia and/or hypogonadotropic hypogonadism. Also called: LEUKODYSTROPHY, HYPOMYELINATING, 8, WITH HYPODONTIA AND HYPOGONADOTROPIC HYPOGONADISM; Hypomyelinating leukodystrophy 8 with or without oligodontia and-or hypogonadotropic hypogonadism; Endosteal sclerosis-cerebellar hypoplasia syndrome. Identifiers: Orphanet 85186, Orphanet 88637, MedGen C3280644, MONDO:0013722, OMIM 614381.

gnomAD v4.1: 6 of 1,610,692 alleles (0.00037%); highest among the groups gnomAD compares: Non-Finnish European, 0.00051%; no homozygotes.

Submissions (2):

GeneDx
Classification: Likely pathogenic. Last evaluated: 2021-04-05. Review status: criteria provided, single submitter. Criteria: GeneDx Variant Classification Process June 2021. Collection method: clinical testing. Allele origin: germline. Affected: yes.
Comment: Identified with a second variant in POLR3B (phase unknown) in a patient with 4H leukodystrophy in published literature (Wolf et al., 2014); Canonical splice site variant expected to result in aberrant splicing, although in the absence of functional evidence the actual effect of this sequence change is unknown.; Not observed in large population cohorts (Lek et al., 2016); This variant is associated with the following publications: (PMID: 25339210)

GeneReviews
No classification provided. Condition: Leukodystrophy, hypomyelinating, 8, with or without oligodontia and/or hypogonadotropic hypogonadism. Review status: no classification provided. Collection method: literature only. Allele origin: germline. Not counted in ClinVar's aggregate classification.

Literature cited by the submitters: PubMed 25339210 (cited by GeneReviews); PubMed 22855961 (cited by GeneReviews).